The following is an entry in ClinVar:

NM_052947.4(ALPK2):c.2493G>A (p.Ser831=)

Gene: ALPK2 (alpha kinase 2; minus strand). Cytogenetic location: 18q21.31.
Variant type: single nucleotide variant.
Coding change: c.2493G>A on transcript NM_052947.4 (MANE Select); coding-DNA position 2493, G replaced by A.
Protein change: p.Ser831=; no amino-acid change (serine 831 retained).
Molecular consequence: synonymous variant.
Genome position (GRCh38, 1-based): chr18:58,537,694, C>T on the plus strand (G>A on the coding strand, the complement: ALPK2 is on the minus strand). VCF-style: chr18-58537694-C-T. GRCh37 (hg19) VCF-style: chr18-56204926-C-T.
Identifiers: ClinVar variation 3041589 (VCV003041589.2), dbSNP rs55853669, ClinGen allele CA8977062.

ClinVar aggregate classification (germline): Benign (0 of 4 stars; one submission).

Conditions:
ALPK2-related disorder. Also called: ALPK2-related condition.

Allele frequency attached by ClinVar (database versions not stated): gnomAD exomes 0.00105; ExAC 0.00279; 1000 Genomes Project 0.00819; 1000 Genomes Project 30x 0.00828; gnomAD 0.00913; TOPMed 0.01050; ESP Exome Variant Server 0.01084.
gnomAD v4.1: 2,956 of 1,613,928 alleles (0.18%); highest among the groups gnomAD compares: African/African-American, 3.4%; 44 homozygotes.

Submission:

PreventionGenetics, part of Exact Sciences
Classification: Benign for ALPK2-related condition. Last evaluated: 2019-02-18. Review status: no assertion criteria provided. Collection method: clinical testing. Allele origin: germline.
Comment: This variant is classified as benign based on ACMG/AMP sequence variant interpretation guidelines (Richards et al. 2015 PMID: 25741868, with internal and published modifications).